The following is an entry in ClinVar:

ClinVar aggregate classification (germline): Pathogenic/Likely pathogenic. Review status: criteria provided, multiple submitters, no conflicts (2 of 4 stars). 2 submissions from 2 submitters: Pathogenic (1); Likely pathogenic (1). Last evaluated 2023-04-27.

Conditions:
Marfan syndrome (MFS). Also called: Marfan syndrome, classic; Marfan syndrome type 1; Marfan's syndrome; MARFAN SYNDROME, TYPE I; FBN1-Related Marfan Syndrome. Identifiers: Orphanet 284963, Orphanet 558, MedGen C0024796, MONDO:0007947, OMIM 154700.
Familial thoracic aortic aneurysm and aortic dissection (TAAD). Also called: Thoracic aortic aneurysms and dissections. Identifiers: Orphanet 91387, MedGen C4707243, MONDO:0019625.

Submissions (2):

Labcorp Genetics (formerly Invitae), Labcorp
Classification: Pathogenic for Marfan syndrome; Familial thoracic aortic aneurysm and aortic dissection. Last evaluated: 2023-04-27. Review status: criteria provided, single submitter. Criteria: Invitae Variant Classification Sherloc (09022015). Collection method: clinical testing. Allele origin: germline.
Comment: For these reasons, this variant has been classified as Pathogenic. This variant affects a cysteine residue in the EGF-like, TGFBP or hybrid motif domains of FBN1. Cysteine residues are believed to be involved in intramolecular disulfide bridges and have been shown to be important for FBN1 protein structure (PMID: 16905551, 19349279). In addition, missense substitutions affecting cysteine residues within these domains are significantly overrepresented among patients with Marfan syndrome (PMID: 16571647, 17701892). Advanced modeling of protein sequence and biophysical properties (such as structural, functional, and spatial information, amino acid conservation, physicochemical variation, residue mobility, and thermodynamic stability) performed at Invitae indicates that this missense variant is expected to disrupt FBN1 protein function. ClinVar contains an entry for this variant (Variation ID: 406315). This missense change has been observed in individuals with clinical features of Marfan syndrome (PMID: 9236141, 25907466; Invitae). This variant is not present in population databases (gnomAD no frequency). This sequence change replaces cysteine, which is neutral and slightly polar, with tyrosine, which is neutral and polar, at codon 2232 of the FBN1 protein (p.Cys2232Tyr).

Laboratory for Molecular Medicine, Mass General Brigham Personalized Medicine
Classification: Likely pathogenic for Marfan syndrome. Last evaluated: 2019-04-17. Review status: criteria provided, single submitter. Criteria: ACMG Guidelines, 2015. Collection method: clinical testing. Allele origin: germline. Inheritance: Autosomal dominant inheritance.
Comment: The p.Cys2232Tyr variant in FBN1 has been identified in at least 2 individuals with Marfan syndrome (Pepe 1997, Attanasio 2008, Proost 2005) and one individual with thoracic aortic dissection or rupture (Wolford 2018 - preprint), and was absent from large population studies. In addition, 2 other variants at the same position (p.Cys2232Arg and p.Cys2232Ser) have also been identified in individuals with Marfan syndrome, suggesting that changes at this position are not tolerated. Furthermore, this variant affects a highly conserved cysteine residue in the EGF-like domains, which is a common finding in individuals with Marfan syndrome (Schrijver 1999). In summary, although additional studies are required to fully establish its clinical significance, this variant meets criteria to be classified as likely pathogenic for autosomal dominant Marfan syndrome. ACMG/AMP Criteria applied: PM1; PM2; PP3; PS4_Moderate.

Literature cited by the submitters: PubMed 16905551 (cited by Labcorp Genetics (formerly Invitae), Labcorp); PubMed 19349279 (cited by Labcorp Genetics (formerly Invitae), Labcorp); PubMed 16571647 (cited by Labcorp Genetics (formerly Invitae), Labcorp); PubMed 17701892 (cited by Labcorp Genetics (formerly Invitae), Labcorp); PubMed 9236141 (cited by Labcorp Genetics (formerly Invitae), Labcorp); PubMed 25907466 (cited by Labcorp Genetics (formerly Invitae), Labcorp and Laboratory for Molecular Medicine, Mass General Brigham Personalized Medicine); PubMed 10486319 (cited by Laboratory for Molecular Medicine, Mass General Brigham Personalized Medicine); PubMed 18435798 (cited by Laboratory for Molecular Medicine, Mass General Brigham Personalized Medicine).

NM_000138.5(FBN1):c.6695G>A (p.Cys2232Tyr)

Gene: FBN1 (fibrillin 1; minus strand). Cytogenetic location: 15q21.1.
Variant type: single nucleotide variant.
Coding change: c.6695G>A on transcript NM_000138.5 (MANE Select); coding-DNA position 6695, G replaced by A.
Protein change: p.Cys2232Tyr; replaces cysteine 2232 with tyrosine.
Molecular consequence: missense variant.
Genome position (GRCh38, 1-based): chr15:48,432,910, C>T on the plus strand (G>A on the coding strand, the complement: FBN1 is on the minus strand). VCF-style: chr15-48432910-C-T. GRCh37 (hg19) VCF-style: chr15-48725107-C-T.
Other names: short protein forms C2232Y.
Identifiers: ClinVar variation 406315 (VCV000406315.11), dbSNP rs1060501054, ClinGen allele CA16614626.
Genomic context (GRCh38, chr15:48,432,910, plus strand): 5'-GAACACGATGACTCACCTTTGCACATCCTACGGTCTTCTCTGAGCACATATCCCACGGGA[C>T]ATTTGCATTCATATGACCCATAAGTGTTCACACATCGGAAGGCACAGAGCAGAGGATTCT-3'
Protein context (NP_000129.3, residues 2222-2242): VNTYGSYECK[Cys2232Tyr]PVGYVLREDR